The following is an entry in ClinVar:

NM_000179.3(MSH6):c.3227G>T (p.Arg1076Leu)

Gene: MSH6 (mutS homolog 6; plus strand). Cytogenetic location: 2p16.3.
Variant type: single nucleotide variant.
Coding change: c.3227G>T on transcript NM_000179.3 (MANE Select); coding-DNA position 3227, G replaced by T.
Protein change: p.Arg1076Leu; replaces arginine 1076 with leucine.
Molecular consequence: missense variant.
Genome position (GRCh38, 1-based): chr2:47,803,474, G>T. VCF-style: chr2-47803474-G-T. GRCh37 (hg19) VCF-style: chr2-48030613-G-T.
Other names: c.2837G>T, p.Arg946Leu (NM_001281492.2); c.2321G>T, p.Arg774Leu (NM_001281493.2, NM_001281494.2, NM_001406811.1 and 6 more transcripts); c.3323G>T, p.Arg1108Leu (NM_001406795.1, NM_001406802.1); c.3227G>T, p.Arg1076Leu (NM_001406796.1, NM_001406800.1, NM_001406808.1 and 1 more transcripts); c.2930G>T, p.Arg977Leu (NM_001406797.1, NM_001406801.1, NM_001406805.1 and 10 more transcripts); c.2702G>T, p.Arg901Leu (NM_001406799.1, NM_001406806.1, NM_001406807.1); c.2363G>T, p.Arg788Leu (NM_001406803.1); c.3149G>T, p.Arg1050Leu (NM_001406804.1); and 6 more; short protein forms R1020L, R1078L, R3L, R774L, R1050L, R25L, R977L, R391L.
Identifiers: ClinVar variation 1729139 (VCV001729139.2), dbSNP rs779617676, ClinGen allele CA346758027.

ClinVar aggregate classification (germline): Uncertain significance (1 of 4 stars; one submission).

Conditions:
Hereditary cancer-predisposing syndrome. Also called: Tumor predisposition; Neoplastic Syndromes, Hereditary; Hereditary Cancer Syndrome; Hereditary neoplastic syndrome. Identifiers: Orphanet 140162, MedGen C0027672, MeSH D009386, MONDO:0015356.

Submission:

Ambry Genetics
Classification: Uncertain significance for Hereditary cancer-predisposing syndrome. Last evaluated: 2019-09-05. Review status: criteria provided, single submitter. Criteria: Ambry Variant Classification Scheme 2023. Collection method: clinical testing. Allele origin: germline.
Comment: The p.R1076L variant (also known as c.3227G>T), located in coding exon 5 of the MSH6 gene, results from a G to T substitution at nucleotide position 3227. The arginine at codon 1076 is replaced by leucine, an amino acid with dissimilar properties. This amino acid position is highly conserved in available vertebrate species. In addition, this alteration is predicted to be deleterious by in silico analysis. Since supporting evidence is limited at this time, the clinical significance of this alteration remains unclear.